The following is an entry in ClinVar:

ClinVar aggregate classification (germline): Uncertain significance (1 of 4 stars; one submission).

Allele frequency attached by ClinVar (database versions not stated): gnomAD exomes below 0.00001; TOPMed 0.00001; ExAC 0.00002; ESP Exome Variant Server 0.00008.
gnomAD v4.1: 10 of 1,611,166 alleles (0.00062%); highest among the groups gnomAD compares: Admixed American, 0.0033%; no homozygotes.

Submission:

Labcorp Genetics (formerly Invitae), Labcorp
Classification: Uncertain significance. Last evaluated: 2023-04-17. Review status: criteria provided, single submitter. Criteria: Invitae Variant Classification Sherloc (09022015). Collection method: clinical testing. Allele origin: germline.
Comment: This variant has not been reported in the literature in individuals affected with SOX6-related conditions. In summary, the available evidence is currently insufficient to determine the role of this variant in disease. Therefore, it has been classified as a Variant of Uncertain Significance. Advanced modeling of protein sequence and biophysical properties (such as structural, functional, and spatial information, amino acid conservation, physicochemical variation, residue mobility, and thermodynamic stability) performed at Invitae indicates that this missense variant is not expected to disrupt SOX6 protein function. ClinVar contains an entry for this variant (Variation ID: 2189848). This variant is present in population databases (rs150961105, gnomAD 0.003%). This sequence change replaces alanine, which is neutral and non-polar, with proline, which is neutral and non-polar, at codon 317 of the SOX6 protein (p.Ala317Pro).

NM_001367873.1(SOX6):c.949G>C (p.Ala317Pro)

Gene: SOX6 (SRY-box transcription factor 6; minus strand). Cytogenetic location: 11p15.2.
Variant type: single nucleotide variant.
Coding change: c.949G>C on transcript NM_001367873.1 (MANE Select); coding-DNA position 949, G replaced by C.
Protein change: p.Ala317Pro; replaces alanine 317 with proline.
Molecular consequence: missense variant.
Genome position (GRCh38, 1-based): chr11:16,097,638, C>G on the plus strand (G>C on the coding strand, the complement: SOX6 is on the minus strand). VCF-style: chr11-16097638-C-G. GRCh37 (hg19) VCF-style: chr11-16119184-C-G.
Other names: c.949G>C, p.Ala317Pro (NM_001145811.2, NM_001145819.2, NM_001367872.1 and 2 more transcripts); short protein forms A317P.
Identifiers: ClinVar variation 2189848 (VCV002189848.4), dbSNP rs150961105, ClinGen allele CA5898295.